The following is an entry in ClinVar:

ClinVar aggregate classification (germline): Uncertain significance. Review status: criteria provided, multiple submitters, no conflicts (2 of 4 stars). 3 submissions from 3 submitters: Uncertain significance (3). Last evaluated 2025-05-13.

Conditions:
Myofibrillar myopathy 5. Also called: Filaminopathy (type); FILAMINOPATHY, AUTOSOMAL DOMINANT. Identifiers: Orphanet 171445, MedGen C1836050, MONDO:0012289, OMIM 609524.
Distal myopathy with posterior leg and anterior hand involvement. Also called: WILLIAMS DISTAL MYOPATHY. Identifiers: Orphanet 63273, MedGen C3279722, MONDO:0013550, OMIM 614065.
Hypertrophic cardiomyopathy 26. Also called: Cardiomyopathy, familial hypertrophic, 26. Identifiers: Orphanet 75249, MedGen C4310749, MONDO:0014883, OMIM 617047.
Cardiovascular phenotype. Identifiers: MedGen CN230736.

Allele frequency attached by ClinVar (database versions not stated): ExAC 0.00001.
gnomAD v4.1: 5 of 1,614,080 alleles (0.00031%); highest among the groups gnomAD compares: Admixed American, 0.0033%; no homozygotes.

Submissions (3):

Labcorp Genetics (formerly Invitae), Labcorp
Classification: Uncertain significance for Distal myopathy with posterior leg and anterior hand involvement; Myofibrillar myopathy 5; Hypertrophic cardiomyopathy 26. Last evaluated: 2025-05-13. Review status: criteria provided, single submitter. Criteria: Invitae Variant Classification Sherloc (09022015). Collection method: clinical testing. Allele origin: germline.
Comment: This sequence change replaces aspartic acid, which is acidic and polar, with asparagine, which is neutral and polar, at codon 620 of the FLNC protein (p.Asp620Asn). This variant is present in population databases (rs567514134, gnomAD 0.006%). This variant has not been reported in the literature in individuals affected with FLNC-related conditions. ClinVar contains an entry for this variant (Variation ID: 969710). Invitae Evidence Modeling of protein sequence and biophysical properties (such as structural, functional, and spatial information, amino acid conservation, physicochemical variation, residue mobility, and thermodynamic stability) has been performed for this missense variant. However, the output from this modeling did not meet the statistical confidence thresholds required to predict the impact of this variant on FLNC protein function. In summary, the available evidence is currently insufficient to determine the role of this variant in disease. Therefore, it has been classified as a Variant of Uncertain Significance.

GeneDx
Classification: Uncertain significance. Last evaluated: 2023-05-23. Review status: criteria provided, single submitter. Criteria: GeneDx Variant Classification Process June 2021. Collection method: clinical testing. Allele origin: germline. Affected: yes.
Comment: In silico analysis supports that this missense variant has a deleterious effect on protein structure/function; Has not been previously published as pathogenic or benign to our knowledge

Ambry Genetics
Classification: Uncertain significance for Cardiovascular phenotype. Last evaluated: 2022-06-14. Review status: criteria provided, single submitter. Criteria: Ambry Variant Classification Scheme 2023. Collection method: clinical testing. Allele origin: germline.
Comment: The p.D620N variant (also known as c.1858G>A), located in coding exon 12 of the FLNC gene, results from a G to A substitution at nucleotide position 1858. The aspartic acid at codon 620 is replaced by asparagine, an amino acid with highly similar properties. This amino acid position is conserved. In addition, the in silico prediction for this alteration is inconclusive. Since supporting evidence is limited at this time, the clinical significance of this alteration remains unclear.

NM_001458.5(FLNC):c.1858G>A (p.Asp620Asn)

Gene: FLNC (filamin C; plus strand). Cytogenetic location: 7q32.1.
Variant type: single nucleotide variant.
Coding change: c.1858G>A on transcript NM_001458.5 (MANE Select); coding-DNA position 1858, G replaced by A.
Protein change: p.Asp620Asn; replaces aspartic acid 620 with asparagine.
Molecular consequence: missense variant.
Genome position (GRCh38, 1-based): chr7:128,841,214, G>A. VCF-style: chr7-128841214-G-A. GRCh37 (hg19) VCF-style: chr7-128481268-G-A.
Other names: c.1858G>A, p.Asp620Asn (NM_001127487.2); short protein forms D620N.
Identifiers: ClinVar variation 969710 (VCV000969710.13), dbSNP rs567514134, ClinGen allele CA4474519.